The following is an entry in ClinVar:

ClinVar aggregate classification (germline): Uncertain significance. Review status: criteria provided, multiple submitters, no conflicts (2 of 4 stars). 6 submissions from 6 submitters: Uncertain significance (4). 2 of the submissions do not count toward it. Last evaluated 2025-10-06.

Conditions:
Duchenne muscular dystrophy (DMD). Also called: MUSCULAR DYSTROPHY, PSEUDOHYPERTROPHIC PROGRESSIVE, DUCHENNE TYPE; Duchenne Muscular Dystrophy (DMD). Identifiers: Orphanet 98896, MedGen C0013264, MONDO:0010679, OMIM 310200.
Cardiovascular phenotype. Identifiers: MedGen CN230736.
Cardiomyopathy (CMYO). Also called: Cardiomyopathies. Identifiers: Orphanet 167848, MedGen C0878544, MONDO:0004994, HP:0001638. Inheritance: Various modes of inheritance.
Becker muscular dystrophy (BMD). Also called: MUSCULAR DYSTROPHY, PSEUDOHYPERTROPHIC PROGRESSIVE, BECKER TYPE; Becker Muscular Dystrophy (BMD). Identifiers: Orphanet 98895, MedGen C0917713, MONDO:0010311, OMIM 300376.
Dystrophin deficiency.

Allele frequency attached by ClinVar (database versions not stated): ExAC 0.00002; gnomAD exomes 0.00002; TOPMed 0.00002.

Submissions (6):

Labcorp Genetics (formerly Invitae), Labcorp
Classification: Uncertain significance for Duchenne muscular dystrophy. Last evaluated: 2025-10-06. Review status: criteria provided, single submitter. Criteria: Invitae Variant Classification Sherloc (09022015). Collection method: clinical testing. Allele origin: germline.
Comment: This sequence change replaces arginine, which is basic and polar, with histidine, which is basic and polar, at codon 149 of the DMD protein (p.Arg149His). This variant is present in population databases (rs771307588, gnomAD 0.008%). This missense change has been observed in individual(s) with dilated cardiomyopathy (PMID: 32969603). ClinVar contains an entry for this variant (Variation ID: 498337). Invitae Evidence Modeling of protein sequence and biophysical properties (such as structural, functional, and spatial information, amino acid conservation, physicochemical variation, residue mobility, and thermodynamic stability) indicates that this missense variant is not expected to disrupt DMD protein function with a negative predictive value of 95%. In summary, the available evidence is currently insufficient to determine the role of this variant in disease. Therefore, it has been classified as a Variant of Uncertain Significance.

Ambry Genetics
Classification: Uncertain significance for Cardiovascular phenotype. Last evaluated: 2023-11-10. Review status: criteria provided, single submitter. Criteria: Ambry Variant Classification Scheme 2023. Collection method: clinical testing. Allele origin: germline.
Comment: The p.R149H variant (also known as c.446G>A), located in coding exon 6 of the DMD gene, results from a G to A substitution at nucleotide position 446. The arginine at codon 149 is replaced by histidine, an amino acid with highly similar properties. This variant has been detected in the hemizygous state in an individual with dilated cardiomyopathy; however, details were limited (Carnevale A et al. Mol Genet Genomic Med, 2020 Nov;8:e1504). Based on data from gnomAD, the A allele has an overall frequency of 0.0016% (3/183437) total alleles studied, with no hemizygote(s) observed. The highest observed frequency was 0.0073% (2 27425) of Latino alleles. This amino acid position is highly conserved in available vertebrate species. In addition, the in silico prediction for this alteration is inconclusive. Since supporting evidence is limited at this time, the clinical significance of this alteration remains unclear.

Revvity Omics, Revvity
Classification: Uncertain significance. Last evaluated: 2019-06-04. Review status: criteria provided, single submitter. Criteria: ACMG Guidelines, 2015. Collection method: clinical testing. Allele origin: germline.

Eurofins Ntd Llc (ga)
Classification: Uncertain significance. Last evaluated: 2016-12-16. Review status: criteria provided, single submitter. Criteria: EGL Classification Definitions 2015. Collection method: clinical testing. Allele origin: germline. Observed: 1 variant allele, 1 hemizygote.

Genetics and Genomic Medicine Centre, NeuroGen Healthcare, NeuroGen Healthcare
Classification: Uncertain significance. Last evaluated: 2021-03-19. Review status: no assertion criteria provided. Collection method: clinical testing. Allele origin: unknown. Affected: yes. Not counted in ClinVar's aggregate classification.

Natera, Inc.
Classification: Uncertain significance for Becker muscular dystrophy; Cardiomyopathy; Duchenne muscular dystrophy; Dystrophin deficiency. Last evaluated: 2018-07-17. Review status: no assertion criteria provided. Collection method: clinical testing. Allele origin: germline. Not counted in ClinVar's aggregate classification.

Literature cited by the submitters: PubMed 32969603 (cited by Labcorp Genetics (formerly Invitae), Labcorp and Ambry Genetics).

NM_004006.3(DMD):c.446G>A (p.Arg149His)

Gene: DMD (dystrophin; minus strand). Cytogenetic location: Xp21.1.
Variant type: single nucleotide variant.
Coding change: c.446G>A on transcript NM_004006.3 (MANE Select); coding-DNA position 446, G replaced by A.
Protein change: p.Arg149His; replaces arginine 149 with histidine.
Molecular consequence: missense variant.
Genome position (GRCh38, 1-based): chrX:32,816,552, C>T on the plus strand (G>A on the coding strand, the complement: DMD is on the minus strand). VCF-style: chrX-32816552-C-T. GRCh37 (hg19) VCF-style: chrX-32834669-C-T.
Other names: c.422G>A, p.Arg141His (NM_000109.4); c.434G>A, p.Arg145His (NM_004009.3); c.77G>A, p.Arg26His (NM_004010.3); short protein forms R149H, R141H, R26H, R145H.
Identifiers: ClinVar variation 498337 (VCV000498337.16), dbSNP rs771307588, ClinGen allele CA10380154.
Genomic context (GRCh38, chrX:32,816,552, plus strand): 5'-AAAGCCAGGCCATCAGACCAGCTGGTGGTGAAGTTGATTACATTAACCTGTGGATAATTA[C>T]GAGTTGATTGTCGGACCCAGCTCAGGAGAATCTTTTCACTGTTGGTTTGTTGCAATCCAG-3'
Protein context (NP_003997.2, residues 139-159): ILLSWVRQST[Arg149His]NYPQVNVINF